The following is an entry in ClinVar:

ClinVar aggregate classification (germline): Conflicting classifications of pathogenicity. Review status: criteria provided, conflicting classifications (1 of 4 stars). 2 submissions from 2 submitters: Uncertain significance (1); Benign (1). Last evaluated 2025-10-20.

Conditions:
Tuberous sclerosis 2 (TSC2). Identifiers: Orphanet 805, MedGen C1860707, MONDO:0013199, OMIM 613254.
Hereditary cancer-predisposing syndrome. Also called: Tumor predisposition; Hereditary neoplastic syndrome; Hereditary Cancer Syndrome; Neoplastic Syndromes, Hereditary. Identifiers: Orphanet 140162, MedGen C0027672, MeSH D009386, MONDO:0015356.

Allele frequency attached by ClinVar (database versions not stated): gnomAD exomes below 0.00001; gnomAD 0.00001; 1000 Genomes Project 0.00020; 1000 Genomes Project 30x 0.00031.

Submissions (2):

Labcorp Genetics (formerly Invitae), Labcorp
Classification: Benign for Tuberous sclerosis 2. Last evaluated: 2025-10-20. Review status: criteria provided, single submitter. Criteria: Invitae Variant Classification Sherloc (09022015). Collection method: clinical testing. Allele origin: germline.

Ambry Genetics
Classification: Uncertain significance for Hereditary cancer-predisposing syndrome. Last evaluated: 2024-11-15. Review status: criteria provided, single submitter. Criteria: Ambry Variant Classification Scheme 2023. Collection method: clinical testing. Allele origin: germline.
Comment: The p.A42V variant (also known as c.125C>T), located in coding exon 1 of the TSC2 gene, results from a C to T substitution at nucleotide position 125. The alanine at codon 42 is replaced by valine, an amino acid with similar properties. This amino acid position is not well conserved in available vertebrate species. In addition, this alteration is predicted to be tolerated by in silico analysis. Based on the available evidence, the clinical significance of this variant remains unclear.

NM_000548.5(TSC2):c.125C>T (p.Ala42Val)

Gene: TSC2 (TSC complex subunit 2; plus strand). Cytogenetic location: 16p13.3.
Variant type: single nucleotide variant.
Coding change: c.125C>T on transcript NM_000548.5 (MANE Select); coding-DNA position 125, C replaced by T.
Protein change: p.Ala42Val; replaces alanine 42 with valine.
Molecular consequence: missense variant. On other transcripts: 5 prime UTR variant (1), intron variant (1).
Genome position (GRCh38, 1-based): chr16:2,048,740, C>T. VCF-style: chr16-2048740-C-T. GRCh37 (hg19) VCF-style: chr16-2098741-C-T.
Other names: c.125C>T, p.Ala42Val (NM_001077183.3, NM_001114382.3, NM_001318827.2 and 4 more transcripts); c.-102C>T (NM_001318831.2); c.158C>T, p.Ala53Val (NM_001318832.2); c.-10+675C>T (NM_001318829.2); short protein forms A42V, A53V.
Identifiers: ClinVar variation 1442644 (VCV001442644.11), dbSNP rs199562226, ClinGen allele CA276768623.